The following is an entry in ClinVar:

ClinVar aggregate classification (germline): Conflicting classifications of pathogenicity. Review status: criteria provided, conflicting classifications (1 of 4 stars). 7 submissions from 6 submitters: Uncertain significance (4); Benign (1); Likely benign (1). 1 of the submissions does not count toward it. Last evaluated 2025-12-24.

Conditions:
Bardet-Biedl syndrome (BBS). Identifiers: Orphanet 110, MedGen C0752166, MONDO:0015229.
McKusick-Kaufman syndrome (MKKS). Also called: HYDROMETROCOLPOS SYNDROME; HYDROMETROCOLPOS, POSTAXIAL POLYDACTYLY, AND CONGENITAL HEART MALFORMATION. Identifiers: Orphanet 2473, MedGen C0948368, MONDO:0009367, OMIM 236700.
Bardet-Biedl syndrome 6 (BBS6). Identifiers: Orphanet 110, MedGen C1858054, MONDO:0011523, OMIM 605231.
MKKS-related disorder. Also called: MKKS-related disorders; MKKS-related condition.

Allele frequency attached by ClinVar (database versions not stated): gnomAD 0.00006 and 0.00012; TOPMed 0.00010; gnomAD exomes 0.00015 and 0.00018; ExAC 0.00023; 1000 Genomes Project 30x 0.00031; 1000 Genomes Project 0.00040.
gnomAD v4.1: 232 of 1,614,158 alleles (0.014%); highest among the groups gnomAD compares: East Asian, 0.49%; 1 homozygote.

Submissions (7):

Labcorp Genetics (formerly Invitae), Labcorp
Classification: Benign for McKusick-Kaufman syndrome; Bardet-Biedl syndrome. Last evaluated: 2025-12-24. Review status: criteria provided, single submitter. Criteria: Invitae Variant Classification Sherloc (09022015). Collection method: clinical testing. Allele origin: germline.

Blueprint Genetics
Classification: Likely benign. Last evaluated: 2024-09-11. Review status: criteria provided, single submitter. Criteria: ACMG Guidelines, 2015. Collection method: clinical testing. Allele origin: germline.

GeneDx
Classification: Uncertain significance. Last evaluated: 2023-08-11. Review status: criteria provided, single submitter. Criteria: GeneDx Variant Classification Process June 2021. Collection method: clinical testing. Allele origin: germline. Affected: yes.
Comment: In silico analysis supports that this missense variant does not alter protein structure/function; Has not been previously published as pathogenic or benign to our knowledge

Illumina Laboratory Services, Illumina
Classification: Uncertain significance for McKusick-Kaufman syndrome. Last evaluated: 2018-01-13. Review status: criteria provided, single submitter. Criteria: ICSL Variant Classification Criteria 13 December 2019. Collection method: clinical testing. Allele origin: germline.

Illumina Laboratory Services, Illumina
Classification: Uncertain significance for Bardet-Biedl syndrome 6. Last evaluated: 2018-01-13. Review status: criteria provided, single submitter. Criteria: ICSL Variant Classification Criteria 13 December 2019. Collection method: clinical testing. Allele origin: germline.

CeGaT Center for Human Genetics Tuebingen
Classification: Uncertain significance. Last evaluated: 2017-06-01. Review status: criteria provided, single submitter. Criteria: CeGaT Center For Human Genetics Tuebingen Variant Classification Criteria Version 2. Collection method: clinical testing. Allele origin: germline. Affected: yes. Observed: 1 variant allele.

PreventionGenetics, part of Exact Sciences
Classification: Likely benign for MKKS-related condition. Last evaluated: 2022-02-07. Review status: no assertion criteria provided. Collection method: clinical testing. Allele origin: germline. Not counted in ClinVar's aggregate classification.
Comment: This variant is classified as likely benign based on ACMG/AMP sequence variant interpretation guidelines (Richards et al. 2015 PMID: 25741868, with internal and published modifications).

NM_170784.3(MKKS):c.757T>C (p.Ser253Pro)

Gene: MKKS (MKKS centrosomal shuttling protein; minus strand). Cytogenetic location: 20p12.2.
Variant type: single nucleotide variant.
Coding change: c.757T>C on transcript NM_170784.3 (MANE Select); coding-DNA position 757, T replaced by C.
Protein change: p.Ser253Pro; replaces serine 253 with proline.
Molecular consequence: missense variant.
Genome position (GRCh38, 1-based): chr20:10,412,758, A>G on the plus strand (T>C on the coding strand, the complement: MKKS is on the minus strand). VCF-style: chr20-10412758-A-G. GRCh37 (hg19) VCF-style: chr20-10393406-A-G.
Other names: c.757T>C, p.Ser253Pro (NM_018848.3); short protein forms S253P.
Identifiers: ClinVar variation 463179 (VCV000463179.59), dbSNP rs201785599, ClinGen allele CA9763633.